The following is an entry in ClinVar:

ClinVar aggregate classification (germline): Uncertain significance. Review status: criteria provided, multiple submitters, no conflicts (2 of 4 stars). 2 submissions from 2 submitters: Uncertain significance (2). Last evaluated 2023-10-05.

Conditions:
Hereditary cancer-predisposing syndrome. Also called: Tumor predisposition; Hereditary neoplastic syndrome; Neoplastic Syndromes, Hereditary; Hereditary Cancer Syndrome. Identifiers: Orphanet 140162, MedGen C0027672, MeSH D009386, MONDO:0015356.
Familial cancer of breast. Also called: BREAST CANCER, FAMILIAL; Hereditary breast cancer; hereditary breast carcinoma. Identifiers: Orphanet 227535, MedGen C0346153, MONDO:0016419, OMIM 114480. Disease mechanism: loss of function.

Submissions (2):

Ambry Genetics
Classification: Uncertain significance for Hereditary cancer-predisposing syndrome. Last evaluated: 2023-10-05. Review status: criteria provided, single submitter. Criteria: Ambry Variant Classification Scheme 2023. Collection method: clinical testing. Allele origin: germline.
Comment: The p.G259C variant (also known as c.775G>T), located in coding exon 5 of the CHEK2 gene, results from a G to T substitution at nucleotide position 775. The glycine at codon 259 is replaced by cysteine, an amino acid with highly dissimilar properties. This amino acid position is well conserved in available vertebrate species. In addition, the in silico prediction for this alteration is inconclusive. Since supporting evidence is limited at this time, the clinical significance of this alteration remains unclear.

Labcorp Genetics (formerly Invitae), Labcorp
Classification: Uncertain significance for Familial cancer of breast. Last evaluated: 2021-07-16. Review status: criteria provided, single submitter. Criteria: Invitae Variant Classification Sherloc (09022015). Collection method: clinical testing. Allele origin: germline.
Comment: This sequence change replaces glycine with cysteine at codon 259 of the CHEK2 protein (p.Gly259Cys). The glycine residue is moderately conserved and there is a large physicochemical difference between glycine and cysteine. This variant is not present in population databases (ExAC no frequency). This variant has not been reported in the literature in individuals with CHEK2-related conditions. Algorithms developed to predict the effect of missense changes on protein structure and function output the following: SIFT: "Deleterious"; PolyPhen-2: "Benign"; Align-GVGD: "Class C0". The cysteine amino acid residue is found in multiple mammalian species, suggesting that this missense change does not adversely affect protein function. These predictions have not been confirmed by published functional studies and their clinical significance is uncertain. In summary, the available evidence is currently insufficient to determine the role of this variant in disease. Therefore, it has been classified as a Variant of Uncertain Significance.

NM_007194.4(CHEK2):c.775G>T (p.Gly259Cys)

Gene: CHEK2 (checkpoint kinase 2; minus strand). Cytogenetic location: 22q12.1.
Variant type: single nucleotide variant.
Coding change: c.775G>T on transcript NM_007194.4 (MANE Select); coding-DNA position 775, G replaced by T.
Protein change: p.Gly259Cys; replaces glycine 259 with cysteine.
Molecular consequence: missense variant.
Genome position (GRCh38, 1-based): chr22:28,711,926, C>A on the plus strand (G>T on the coding strand, the complement: CHEK2 is on the minus strand). VCF-style: chr22-28711926-C-A. GRCh37 (hg19) VCF-style: chr22-29107914-C-A.
Other names: c.904G>T, p.Gly302Cys (NM_001005735.3); c.112G>T, p.Gly38Cys (NM_001257387.3); c.574G>T, p.Gly192Cys (NM_001349956.3); c.775G>T, p.Gly259Cys (NM_145862.3); short protein forms G192C, G259C, G302C, G38C.
Identifiers: ClinVar variation 1009895 (VCV001009895.10), dbSNP rs786201923, ClinGen allele CA411103095.